The following is an entry in ClinVar:

NM_022168.4(IFIH1):c.1922_1923del (p.Ile641fs)

Gene: IFIH1 (interferon induced with helicase C domain 1; minus strand). Cytogenetic location: 2q24.2.
Variant type: Deletion.
Coding change: c.1922_1923del on transcript NM_022168.4 (MANE Select); coding-DNA positions 1922 to 1923, 2 bases deleted (TA; older notation c.1922_1923delTA).
Protein change: p.Ile641fs; shifts the reading frame from isoleucine 641.
Molecular consequence: frameshift variant.
Genome position (GRCh38, 1-based): chr2:162,277,536-162,277,537, TA deleted on the plus strand (TA on the coding strand, the reverse complement: IFIH1 is on the minus strand); deleting any 2 consecutive bases within chr2:162,277,536-162,277,538 gives the same sequence; the c. name uses the placement nearest the transcript's 3' end. VCF-style (leftmost placement, unchanged base first): chr2-162277535-CTA-C. GRCh37 (hg19) VCF-style: chr2-163134045-CTA-C.
Other names: short protein forms I641fs.
Identifiers: ClinVar variation 1489529 (VCV001489529.6), dbSNP rs2105197614, ClinGen allele CA2573133433.

ClinVar aggregate classification (germline): Uncertain significance (1 of 4 stars; one submission).

Conditions:
Singleton-Merten syndrome 1 (SGMRT1). Also called: Widened medullary cavities of bone, aortic calcification, abnormal dentition, and muscular weakness; Syndrome of widened medullary cavities of the metacarpals and phalanges, aortic calcification and abnormal dentition. Identifiers: Orphanet 85191, MedGen C4225427, MONDO:0024535, OMIM 182250.
Aicardi-Goutieres syndrome 7 (AGS7). Identifiers: Orphanet 51, MedGen C3888244, MONDO:0014367, OMIM 615846.

Submission:

Labcorp Genetics (formerly Invitae), Labcorp
Classification: Uncertain significance for Aicardi-Goutieres syndrome 7; Singleton-Merten syndrome 1. Last evaluated: 2021-10-23. Review status: criteria provided, single submitter. Criteria: Invitae Variant Classification Sherloc (09022015). Collection method: clinical testing. Allele origin: germline.
Comment: This sequence change creates a premature translational stop signal (p.Ile641Argfs*3) in the IFIH1 gene. It is expected to result in an absent or disrupted protein product. However, the current clinical and genetic evidence is not sufficient to establish whether loss-of-function variants in IFIH1 cause disease. This variant is not present in population databases (ExAC no frequency). This variant has not been reported in the literature in individuals affected with IFIH1-related conditions. In summary, the available evidence is currently insufficient to determine the role of this variant in disease. Therefore, it has been classified as a Variant of Uncertain Significance.